The following is an entry in ClinVar:

ClinVar aggregate classification (germline): Uncertain significance (1 of 4 stars; one submission).

gnomAD v4.1: 8 of 1,611,196 alleles (0.0005%); highest among the groups gnomAD compares: Non-Finnish European, 0.00068%; no homozygotes.

Submission:

Labcorp Genetics (formerly Invitae), Labcorp
Classification: Uncertain significance. Last evaluated: 2022-05-25. Review status: criteria provided, single submitter. Criteria: Invitae Variant Classification Sherloc (09022015). Collection method: clinical testing. Allele origin: germline.
Comment: In summary, the available evidence is currently insufficient to determine the role of this variant in disease. Therefore, it has been classified as a Variant of Uncertain Significance. Algorithms developed to predict the effect of missense changes on protein structure and function are either unavailable or do not agree on the potential impact of this missense change (SIFT: "Deleterious"; PolyPhen-2: "Probably Damaging"; Align-GVGD: "Class C0"). This sequence change replaces methionine, which is neutral and non-polar, with valine, which is neutral and non-polar, at codon 748 of the OCA2 protein (p.Met748Val). This variant has not been reported in the literature in individuals affected with OCA2-related conditions. This variant is present in population databases (rs767532456, gnomAD 0.0009%).

NM_000275.3(OCA2):c.2242A>G (p.Met748Val)

Gene: OCA2 (OCA2 melanosomal transmembrane protein; minus strand). Cytogenetic location: 15q13.1.
Variant type: single nucleotide variant.
Coding change: c.2242A>G on transcript NM_000275.3 (MANE Select); coding-DNA position 2242, A replaced by G.
Protein change: p.Met748Val; replaces methionine 748 with valine.
Molecular consequence: missense variant.
Genome position (GRCh38, 1-based): chr15:27,871,156, T>C on the plus strand (A>G on the coding strand, the complement: OCA2 is on the minus strand). VCF-style: chr15-27871156-T-C. GRCh37 (hg19) VCF-style: chr15-28116302-T-C.
Other names: c.2170A>G, p.Met724Val (NM_001300984.2); short protein forms M724V, M748V.
Identifiers: ClinVar variation 1964641 (VCV001964641.5), dbSNP rs767532456, ClinGen allele CA7438700.
Genomic context (GRCh38, chr15:27,871,156, plus strand): 5'-AGCCCCAGGCTATGTCCAGGCTAAAGTTGAGCCGTCGACATGGACATGTGCAACTCACCA[T>C]GGTAGCAGTGAACGGGATGTTGTCAATCAGGGACGACGCCAGGGCTGAGACCCACACCAC-3'
Protein context (NP_000266.2, residues 738-758): LIDNIPFTAT[Met748Val]IPVLLNLSHD